The following is an entry in ClinVar:

ClinVar aggregate classification (germline): Uncertain significance (1 of 4 stars; one submission).

Conditions:
Baller-Gerold syndrome (BGS). Also called: CRANIOSYNOSTOSIS WITH RADIAL DEFECTS. Identifiers: Orphanet 1225, MedGen C0265308, MONDO:0009039, OMIM 218600.

Allele frequency attached by ClinVar (database versions not stated): gnomAD exomes below 0.00001 and 0.00001; ExAC 0.00001; gnomAD 0.00001.
gnomAD v4.1: 4 of 1,518,904 alleles (0.00026%); highest among the groups gnomAD compares: African/African-American, 0.0014%; no homozygotes.

Submission:

Labcorp Genetics (formerly Invitae), Labcorp
Classification: Uncertain significance for Baller-Gerold syndrome. Last evaluated: 2023-05-18. Review status: criteria provided, single submitter. Criteria: Invitae Variant Classification Sherloc (09022015). Collection method: clinical testing. Allele origin: germline.
Comment: ClinVar contains an entry for this variant (Variation ID: 1008194). This sequence change falls in intron 4 of the RECQL4 gene. It does not directly change the encoded amino acid sequence of the RECQL4 protein. It affects a nucleotide within the consensus splice site. The frequency data for this variant in the population databases is considered unreliable, as metrics indicate poor data quality at this position in the gnomAD database. This variant has not been reported in the literature in individuals affected with RECQL4-related conditions. Variants that disrupt the consensus splice site are a relatively common cause of aberrant splicing (PMID: 17576681, 9536098). Algorithms developed to predict the effect of sequence changes on RNA splicing suggest that this variant is not likely to affect RNA splicing. In summary, the available evidence is currently insufficient to determine the role of this variant in disease. Therefore, it has been classified as a Variant of Uncertain Significance.

Literature cited by the submitters: PubMed 17576681; PubMed 9536098.

NM_004260.4(RECQL4):c.355-3C>T

Gene: RECQL4 (RecQ like helicase 4; minus strand). Cytogenetic location: 8q24.3.
Variant type: single nucleotide variant.
Coding change: c.355-3C>T on transcript NM_004260.4 (MANE Select); 3 bases into the intron before coding-DNA position 355, C replaced by T.
Molecular consequence: intron variant.
Genome position (GRCh38, 1-based): chr8:144,516,767, G>A on the plus strand (C>T on the coding strand, the complement: RECQL4 is on the minus strand). VCF-style: chr8-144516767-G-A. GRCh37 (hg19) VCF-style: chr8-145742151-G-A.
Identifiers: ClinVar variation 1008194 (VCV001008194.4), dbSNP rs778042700, ClinGen allele CA4949322.